The following is an entry in ClinVar:

NM_000548.5(TSC2):c.4662+7C>A

Gene: TSC2 (TSC complex subunit 2; plus strand). Cytogenetic location: 16p13.3.
Variant type: single nucleotide variant.
Coding change: c.4662+7C>A on transcript NM_000548.5 (MANE Select); 7 bases into the intron after coding-DNA position 4662, C replaced by A.
Molecular consequence: intron variant.
Genome position (GRCh38, 1-based): chr16:2,085,329, C>A. VCF-style: chr16-2085329-C-A. GRCh37 (hg19) VCF-style: chr16-2135330-C-A.
Other names: c.4593+7C>A (NM_001114382.3); c.4533+7C>A (NM_021055.3, NM_001370405.1); c.4464+7C>A (NM_001363528.2); c.4530+7C>A (NM_001370404.1); c.4461+7C>A (NM_001077183.3); c.4353+7C>A (NM_001318827.2); c.3930+7C>A (NM_001318831.2); c.4317+7C>A (NM_001318829.2); and 1 more.
Identifiers: ClinVar variation 1608159 (VCV001608159.9), dbSNP rs1555515435, ClinGen allele CA2202019796.
Genomic context (GRCh38, chr16:2,085,329, plus strand): 5'-ATCCCATCATACGACACCCACAAGATCGCCGTCCTGTATGTTGGAGAAGGCCAGGTGAGG[C>A]TGCGGGGCCGGCCTAGGTGCCTGGACAGGGCCAGCTGGGCCTCAGCCTGCAGTGGGTAGG-3'

ClinVar aggregate classification (germline): Likely benign. Review status: criteria provided, multiple submitters, no conflicts (2 of 4 stars). 2 submissions from 2 submitters: Likely benign (2). Last evaluated 2025-06-04.

Conditions:
Tuberous sclerosis 2 (TSC2). Identifiers: Orphanet 805, MedGen C1860707, MONDO:0013199, OMIM 613254.

gnomAD v4.1: 1 of 1,612,562 alleles (0.000062%); highest among the groups gnomAD compares: Non-Finnish European, 0.000085%; no homozygotes.

Submissions (2):

Myriad Genetics, Inc.
Classification: Likely benign for Tuberous sclerosis 2. Last evaluated: 2025-06-04. Review status: criteria provided, single submitter. Criteria: Myriad Autosomal Dominant, Autosomal Recessive and X-Linked Classification Criteria (2023). Collection method: clinical testing. Allele origin: unknown.
Comment: This variant is considered likely benign. This variant is intronic and is not expected to impact mRNA splicing.

Labcorp Genetics (formerly Invitae), Labcorp
Classification: Likely benign for Tuberous sclerosis 2. Last evaluated: 2022-05-12. Review status: criteria provided, single submitter. Criteria: Invitae Variant Classification Sherloc (09022015). Collection method: clinical testing. Allele origin: germline.